The following is an entry in ClinVar:

NM_182972.3(IRF2BP2):c.415G>A (p.Ala139Thr)

Genes: IRF2BP2 (interferon regulatory factor 2 binding protein 2; minus strand), LOC129932812 (ATAC-STARR-seq lymphoblastoid silent region 1977; plus strand). Cytogenetic location: 1q42.3.
Variant type: single nucleotide variant.
Coding change: c.415G>A on transcript NM_182972.3 (MANE Select); coding-DNA position 415, G replaced by A.
Protein change: p.Ala139Thr; replaces alanine 139 with threonine.
Molecular consequence: missense variant.
Genome position (GRCh38, 1-based): chr1:234,609,080, C>T on the plus strand (G>A on the coding strand, the complement: IRF2BP2 is on the minus strand). VCF-style: chr1-234609080-C-T. GRCh37 (hg19) VCF-style: chr1-234744826-C-T.
Other names: c.415G>A, p.Ala139Thr (NM_001077397.1); short protein forms A139T.
Identifiers: ClinVar variation 3663958 (VCV003663958.2).

ClinVar aggregate classification (germline): Uncertain significance (1 of 4 stars; one submission).

Submission:

Labcorp Genetics (formerly Invitae), Labcorp
Classification: Uncertain significance. Last evaluated: 2024-09-21. Review status: criteria provided, single submitter. Criteria: Invitae Variant Classification Sherloc (09022015). Collection method: clinical testing. Allele origin: germline.
Comment: This sequence change replaces alanine, which is neutral and non-polar, with threonine, which is neutral and polar, at codon 139 of the IRF2BP2 protein (p.Ala139Thr). This variant is not present in population databases (gnomAD no frequency). This variant has not been reported in the literature in individuals affected with IRF2BP2-related conditions. An algorithm developed to predict the effect of missense changes on protein structure and function (PolyPhen-2) suggests that this variant is likely to be tolerated. In summary, the available evidence is currently insufficient to determine the role of this variant in disease. Therefore, it has been classified as a Variant of Uncertain Significance.